The following is an entry in ClinVar:

ClinVar aggregate classification (germline): Uncertain significance (1 of 4 stars; one submission).

Conditions:
Marfan syndrome (MFS). Also called: MARFAN SYNDROME, TYPE I; Marfan syndrome type 1; Marfan's syndrome; Marfan syndrome, classic; FBN1-Related Marfan Syndrome. Identifiers: Orphanet 284963, Orphanet 558, MedGen C0024796, MONDO:0007947, OMIM 154700.

Allele frequency attached by ClinVar (database versions not stated): TOPMed below 0.00001.

Submission:

All of Us Research Program, National Institutes of Health
Classification: Uncertain significance for Marfan syndrome. Last evaluated: 2023-02-24. Review status: criteria provided, single submitter. Criteria: ACMG Guidelines, 2015. Collection method: clinical testing. Allele origin: germline. Inheritance: Autosomal dominant inheritance. Observed: 1 variant allele, 1 heterozygote.
Comment: This missense variant replaces isoleucine with valine at codon 858 of the FBN1 protein. Computational prediction suggests that this variant may not impact protein structure and function (internally defined REVEL score threshold <= 0.5, PMID: 27666373). To our knowledge, functional studies have not been reported for this variant. This variant has not been reported in individuals affected with FBN1-related disorders in the literature. This variant has not been identified in the general population by the Genome Aggregation Database (gnomAD). The available evidence is insufficient to determine the role of this variant in disease conclusively. Therefore, this variant is classified as a Variant of Uncertain Significance.

This study involves interpretation of variants in research participants for the purpose of population health screening. Participant phenotype was not available at the time of variant classification. Additional details can be found in publication PMID: 35346344, PMCID: PMC8962531

NM_000138.5(FBN1):c.2572A>G (p.Ile858Val)

Gene: FBN1 (fibrillin 1; minus strand). Cytogenetic location: 15q21.1.
Variant type: single nucleotide variant.
Coding change: c.2572A>G on transcript NM_000138.5 (MANE Select); coding-DNA position 2572, A replaced by G.
Protein change: p.Ile858Val; replaces isoleucine 858 with valine.
Molecular consequence: missense variant.
Genome position (GRCh38, 1-based): chr15:48,495,228, T>C on the plus strand (A>G on the coding strand, the complement: FBN1 is on the minus strand). VCF-style: chr15-48495228-T-C. GRCh37 (hg19) VCF-style: chr15-48787425-T-C.
Other names: c.2572A>G, p.Ile858Val (NM_001406716.1); short protein forms I858V.
Identifiers: ClinVar variation 3069489 (VCV003069489.1), dbSNP rs2043595874, ClinGen allele CA392332775.